The following is an entry in ClinVar:

ClinVar aggregate classification (germline): Uncertain significance (1 of 4 stars; one submission).

Conditions:
Neurodevelopmental disorder with epilepsy and hemochromatosis (NEDEPH). Identifiers: MedGen CN307964, OMIM 301072.
Multiple congenital anomalies-hypotonia-seizures syndrome 2 (MCAHS2). Also called: EPILEPTIC ENCEPHALOPATHY, EARLY INFANTILE, 20; GLYCOSYLPHOSPHATIDYLINOSITOL BIOSYNTHESIS DEFECT 4. Identifiers: Orphanet 300496, MedGen C3275508, MONDO:0010466, OMIM 300868.
Paroxysmal nocturnal hemoglobinuria 1 (PNH1). Identifiers: Orphanet 447, MedGen C3806670, MONDO:0010438, OMIM 300818.

Submission:

Juno Genomics, Hangzhou Juno Genomics, Inc
Classification: Uncertain significance for Multiple congenital anomalies-hypotonia-seizures syndrome 2; Neurodevelopmental disorder with epilepsy and hemochromatosis; Paroxysmal nocturnal hemoglobinuria 1. Review status: criteria provided, single submitter. Criteria: ACMG Guidelines, 2015. Collection method: clinical testing. Allele origin: germline.
Comment: Absent from controls (or at extremely low frequency if recessive) in Genome Aggregation Database.

NM_002641.4(PIGA):c.206T>C (p.Ile69Thr)

Gene: PIGA (phosphatidylinositol glycan anchor biosynthesis class A; minus strand). Cytogenetic location: Xp22.2.
Variant type: single nucleotide variant.
Coding change: c.206T>C on transcript NM_002641.4 (MANE Select); coding-DNA position 206, T replaced by C.
Protein change: p.Ile69Thr; replaces isoleucine 69 with threonine.
Molecular consequence: missense variant. On other transcripts: non-coding transcript variant (2), intron variant (2).
Genome position (GRCh38, 1-based): chrX:15,331,725, A>G on the plus strand (T>C on the coding strand, the complement: PIGA is on the minus strand). VCF-style: chrX-15331725-A-G. GRCh37 (hg19) VCF-style: chrX-15349847-A-G.
Other names: c.13+3776T>C (NM_020473.3); c.14-3412T>C (NM_001440790.1); c.206T>C, p.Ile69Thr (NM_001440789.1); short protein forms I69T.
Identifiers: ClinVar variation 5007517 (VCV005007517.2).
Genomic context (GRCh38, chrX:15,331,725, plus strand): 5'-ACTTTGAGGCCACTGGTGAGGTAACGGATGCCTTTTCGATTTCCATAAGCATGGGTGACA[A>G]TTATAACCTTATGCCCTCTTTCAATCAGGCACTGAGAGAGCTGGTAAATGTGGCTTTCCA-3'
Protein context (NP_002632.1, residues 59-79): CLIERGHKVI[Ile69Thr]VTHAYGNRKG